The following is an entry in ClinVar:

NM_014946.4(SPAST):c.870G>A (p.Lys290=)

Gene: SPAST (spastin; plus strand). Cytogenetic location: 2p22.3.
Variant type: single nucleotide variant.
Coding change: c.870G>A on transcript NM_014946.4 (MANE Select); coding-DNA position 870, G replaced by A.
Protein change: p.Lys290=; no amino-acid change (lysine 290 retained).
Molecular consequence: synonymous variant.
Genome position (GRCh38, 1-based): chr2:32,114,825, G>A. VCF-style: chr2-32114825-G-A. GRCh37 (hg19) VCF-style: chr2-32339894-G-A.
Other names: c.867G>A, p.Lys289= (NM_001363823.2); c.771G>A, p.Lys257= (NM_001363875.2); c.774G>A, p.Lys258= (NM_001377959.1, NM_199436.2).
Identifiers: ClinVar variation 468575 (VCV000468575.11), dbSNP rs1421791559, ClinGen allele CA425445560.

ClinVar aggregate classification (germline): Pathogenic/Likely pathogenic. Review status: criteria provided, multiple submitters, no conflicts (2 of 4 stars). 2 submissions from 2 submitters: Pathogenic (1); Likely pathogenic (1). Last evaluated 2023-06-30.

Conditions:
Hereditary spastic paraplegia 4. Also called: Spastic paraplegia 4, autosomal dominant; Familial spastic paraplegia autosomal dominant 2; Spastic Paraplegia 4. Identifiers: Orphanet 100985, MedGen C1866855, MONDO:0008438, OMIM 182601.

Submissions (2):

GeneDx
Classification: Likely pathogenic. Last evaluated: 2023-06-30. Review status: criteria provided, single submitter. Criteria: GeneDx Variant Classification Process June 2021. Collection method: clinical testing. Allele origin: germline. Affected: yes.
Comment: Identified in a patient with HSP, but it is unknown whether this individual was screened for variants in other genes associated with spastic paraplegia (Shoukier et al., 2009); Alters the last nucleotide of the exon and is predicted to destroy the splice donor site and result in aberrant splicing, although in the absence of functional evidence the actual effect of this sequence change is unknown; Not observed at significant frequency in large population cohorts (gnomAD); This variant is associated with the following publications: (PMID: 25525159, 18701882)

Labcorp Genetics (formerly Invitae), Labcorp
Classification: Pathogenic for Hereditary spastic paraplegia 4. Last evaluated: 2020-03-03. Review status: criteria provided, single submitter. Criteria: Invitae Variant Classification Sherloc (09022015). Collection method: clinical testing. Allele origin: germline.
Comment: This variant disrupts the c.870G (also known as 995G) nucleotide in the SPAST gene. Other variant(s) that disrupt this nucleotide have been determined to be pathogenic (PMID: 11309678). This suggests that this nucleotide is clinically-significant, and that variants that disrupt this position are likely to be disease-causing. For these reasons, this variant has been classified as Pathogenic. Nucleotide substitutions within the consensus splice site are a relatively common cause of aberrant splicing (PMID: 17576681, 9536098). Algorithms developed to predict the effect of sequence changes on RNA splicing suggest that this variant may disrupt the consensus splice site, but this prediction has not been confirmed by published transcriptional studies. This variant has been observed in individual(s) with hereditary spastic paraplegia (PMID: 18701882, Invitae). ClinVar contains an entry for this variant (Variation ID: 468575). This variant is not present in population databases (ExAC no frequency). This sequence change affects codon 290 of the SPAST mRNA. It is a 'silent' change, meaning that it does not change the encoded amino acid sequence of the SPAST protein. This variant also falls at the last nucleotide of exon 5 of the SPAST coding sequence, which is part of the consensus splice site for this exon.

Literature cited by the submitters: PubMed 11309678 (cited by Labcorp Genetics (formerly Invitae), Labcorp); PubMed 17576681 (cited by Labcorp Genetics (formerly Invitae), Labcorp); PubMed 9536098 (cited by Labcorp Genetics (formerly Invitae), Labcorp); PubMed 18701882 (cited by Labcorp Genetics (formerly Invitae), Labcorp).